The following is an entry in ClinVar:

ClinVar aggregate classification (germline): Uncertain significance. Review status: criteria provided, multiple submitters, no conflicts (2 of 4 stars). 2 submissions from 2 submitters: Uncertain significance (2). Last evaluated 2025-12-17.

Conditions:
Epidermolysis bullosa simplex 5B, with muscular dystrophy (EBS5B). Also called: EPIDERMOLYSIS BULLOSA SIMPLEX AND LIMB-GIRDLE MUSCULAR DYSTROPHY; Epidermolysis bullosa simplex with muscular dystrophy. Identifiers: Orphanet 257, MedGen C2931072, MONDO:0009181, OMIM 226670.
Epidermolysis bullosa simplex, Ogna type (EBS5A). Also called: Pidermolysis bullosa simplex 5A, Ogna type; EPIDERMOLYSIS BULLOSA SIMPLEX 5A, OGNA TYPE. Identifiers: Orphanet 79401, MedGen C0432317, MONDO:0007555, OMIM 131950.
Epidermolysis bullosa simplex with nail dystrophy (EBS5D). Identifiers: MedGen C4225309, MONDO:0014661, OMIM 616487.
Epidermolysis bullosa simplex 5C, with pyloric atresia (EBS5C). Also called: PLEC1-Related Epidermolysis Bullosa with Pyloric Atresia; Epidermolysis bullosa simplex with pyloric atresia; PLEC-Related Epidermolysis Bullosa with Pyloric Atresia. Identifiers: Orphanet 158684, MedGen C2677349, MONDO:0012807, OMIM 612138.
Autosomal recessive limb-girdle muscular dystrophy type 2Q (LGMDR17). Also called: MUSCULAR DYSTROPHY, LIMB-GIRDLE, AUTOSOMAL RECESSIVE 17. Identifiers: Orphanet 254361, MedGen C3150989, MONDO:0013390, OMIM 613723.
Inborn genetic diseases. Identifiers: MedGen C0950123, MeSH D030342.

Allele frequency attached by ClinVar (database versions not stated): gnomAD exomes 0.00001; ExAC 0.00003; gnomAD 0.00003; TOPMed 0.00003; ESP Exome Variant Server 0.00008.
gnomAD v4.1: 16 of 1,612,782 alleles (0.00099%); highest among the groups gnomAD compares: African/African-American, 0.0067%; no homozygotes.

Submissions (2):

Labcorp Genetics (formerly Invitae), Labcorp
Classification: Uncertain significance for Autosomal recessive limb-girdle muscular dystrophy type 2Q; Epidermolysis bullosa simplex, Ogna type; Epidermolysis bullosa simplex with nail dystrophy; Epidermolysis bullosa simplex 5C, with pyloric atresia; Epidermolysis bullosa simplex 5B, with muscular dystrophy. Last evaluated: 2025-12-17. Review status: criteria provided, single submitter. Criteria: Invitae Variant Classification Sherloc (09022015). Collection method: clinical testing. Allele origin: germline.
Comment: This sequence change replaces arginine, which is basic and polar, with glutamine, which is neutral and polar, at codon 3683 of the PLEC protein (p.Arg3683Gln). This variant is present in population databases (rs370136466, gnomAD 0.008%). This variant has not been reported in the literature in individuals affected with PLEC-related conditions. ClinVar contains an entry for this variant (Variation ID: 1429076). An algorithm developed to predict the effect of missense changes on protein structure and function (PolyPhen-2) suggests that this variant is likely to be disruptive. In summary, the available evidence is currently insufficient to determine the role of this variant in disease. Therefore, it has been classified as a Variant of Uncertain Significance.

Ambry Genetics
Classification: Uncertain significance for Inborn genetic diseases. Last evaluated: 2025-02-14. Review status: criteria provided, single submitter. Criteria: Ambry Variant Classification Scheme 2023. Collection method: clinical testing. Allele origin: germline.

NM_201384.3(PLEC):c.10967G>A (p.Arg3656Gln)

Gene: PLEC (plectin; minus strand). Cytogenetic location: 8q24.3.
Variant type: single nucleotide variant.
Coding change: c.10967G>A on transcript NM_201384.3 (MANE Select); coding-DNA position 10967, G replaced by A.
Protein change: p.Arg3656Gln; replaces arginine 3656 with glutamine.
Molecular consequence: missense variant.
Genome position (GRCh38, 1-based): chr8:143,918,854, C>T on the plus strand (G>A on the coding strand, the complement: PLEC is on the minus strand). VCF-style: chr8-143918854-C-T. GRCh37 (hg19) VCF-style: chr8-144993022-C-T.
Other names: c.11048G>A, p.Arg3683Gln (NM_000445.5); c.10925G>A, p.Arg3642Gln (NM_201378.4); c.10901G>A, p.Arg3634Gln (NM_201379.3); c.11378G>A, p.Arg3793Gln (NM_201380.4); c.10871G>A, p.Arg3624Gln (NM_201381.3); c.10967G>A, p.Arg3656Gln (NM_201382.4); c.10979G>A, p.Arg3660Gln (NM_201383.3); c.11048G>A (NM_000445.3); short protein forms R3660Q, R3656Q, R3642Q, R3683Q, R3793Q, R3624Q, R3634Q.
Identifiers: ClinVar variation 1429076 (VCV001429076.7), dbSNP rs370136466, ClinGen allele CA4924476.
Genomic context (GRCh38, chr8:143,918,854, plus strand): 5'-GCCTCACGGAGGCTCCTGGTGCCCTCCCGGAGCAGGTTGTAGGTCTCGAGAGAGATGATC[C>T]GAGCCTCGAACAGGTCCTCAGCCGTGAGGCGGCGGCGCACGTAGTCGTAGGAGGCCAGAC-3'
Protein context (NP_958786.1, residues 3646-3666): RLTAEDLFEA[Arg3656Gln]IISLETYNLL